The following is an entry in ClinVar:

ClinVar aggregate classification (germline): Conflicting classifications of pathogenicity. Review status: criteria provided, conflicting classifications (1 of 4 stars). 4 submissions from 4 submitters: Uncertain significance (2); Likely benign (1). 1 of the submissions does not count toward it. Last evaluated 2025-01-06.

Conditions:
Autosomal recessive limb-girdle muscular dystrophy type 2K. Also called: MUSCULAR DYSTROPHY, LIMB-GIRDLE, TYPE 2K; MUSCULAR DYSTROPHY-DYSTROGLYCANOPATHY (LIMB-GIRDLE), TYPE C, 1. Identifiers: Orphanet 86812, MedGen C1836373, MONDO:0012248, OMIM 609308.
Walker-Warburg congenital muscular dystrophy. Also called: Muscular dystrophy-dystroglycanopathy, type A; Walker-Warburg syndrome. Identifiers: Orphanet 899, MedGen C0265221, MONDO:0000171.
Muscular dystrophy-dystroglycanopathy (congenital with impaired intellectual development), type B, 1. Also called: Muscular dystrophy-dystroglycanopathy (congenital with intellectual disability), type B1; MUSCULAR DYSTROPHY, CONGENITAL, POMT1-RELATED. Identifiers: MedGen C5436962, MONDO:0013159, OMIM 613155.
POMT1-related disorder. Also called: POMT1-related disorders; POMT1-related condition.

Allele frequency attached by ClinVar (database versions not stated): gnomAD 0.00009 and 0.00011; gnomAD exomes 0.00002; ESP Exome Variant Server 0.00015; ExAC 0.00004; TOPMed 0.00011.
gnomAD v4.1: 33 of 1,614,046 alleles (0.002%); highest among the groups gnomAD compares: African/African-American, 0.044%; no homozygotes.

Submissions (4):

Labcorp Genetics (formerly Invitae), Labcorp
Classification: Likely benign for Muscular dystrophy-dystroglycanopathy (congenital with impaired intellectual development), type B, 1; Walker-Warburg congenital muscular dystrophy; Autosomal recessive limb-girdle muscular dystrophy type 2K. Last evaluated: 2025-01-06. Review status: criteria provided, single submitter. Criteria: Invitae Variant Classification Sherloc (09022015). Collection method: clinical testing. Allele origin: germline.

Eurofins Ntd Llc (ga)
Classification: Uncertain significance. Last evaluated: 2017-09-14. Review status: criteria provided, single submitter. Criteria: EGL Classification Definitions 2015. Collection method: clinical testing. Allele origin: germline. Observed: 1 variant allele, 1 heterozygote.

Genetic Services Laboratory, University of Chicago
Classification: Uncertain significance. Last evaluated: 2015-08-07. Review status: criteria provided, single submitter. Criteria: ACMG Guidelines, 2015. Collection method: clinical testing. Allele origin: germline. Affected: no.

PreventionGenetics, part of Exact Sciences
Classification: Likely benign for POMT1-related condition. Last evaluated: 2024-08-28. Review status: no assertion criteria provided. Collection method: clinical testing. Allele origin: germline. Not counted in ClinVar's aggregate classification.
Comment: This variant is classified as likely benign based on ACMG/AMP sequence variant interpretation guidelines (Richards et al. 2015 PMID: 25741868, with internal and published modifications).

NM_001077365.2(POMT1):c.921G>T (p.Leu307=)

Gene: POMT1 (protein O-mannosyltransferase 1; plus strand). Cytogenetic location: 9q34.13.
Variant type: single nucleotide variant.
Coding change: c.921G>T on transcript NM_001077365.2 (MANE Select); coding-DNA position 921, G replaced by T.
Protein change: p.Leu307=; no amino-acid change (leucine 307 retained).
Molecular consequence: synonymous variant. On other transcripts: nonsense (1), non-coding transcript variant (10).
Genome position (GRCh38, 1-based): chr9:131,511,402, G>T. VCF-style: chr9-131511402-G-T. GRCh37 (hg19) VCF-style: chr9-134386789-G-T.
Other names: c.759G>T, p.Leu253= (NM_001077366.2, NM_001353194.2, NM_001374693.1); c.921G>T, p.Leu307= (NM_001136113.2, NM_001374690.1); c.570G>T, p.Leu190= (NM_001136114.2, NM_001353195.2, NM_001374691.1 and 1 more transcripts); c.987G>T, p.Leu329= (NM_001353193.2, NM_007171.4); c.831G>T, p.Leu277= (NM_001353196.2); c.825G>T, p.Leu275= (NM_001353197.2, NM_001353198.2); c.636G>T, p.Leu212= (NM_001353199.2); c.465G>T, p.Leu155= (NM_001353200.2); and 2 more; short protein forms E302*.
Identifiers: ClinVar variation 436379 (VCV000436379.18), dbSNP rs371243573, ClinGen allele CA5293476.